The following is an entry in ClinVar:

NM_000059.4(BRCA2):c.5621T>C (p.Ile1874Thr)

Gene: BRCA2 (BRCA2 DNA repair associated; plus strand). Cytogenetic location: 13q13.1.
Variant type: single nucleotide variant.
Coding change: c.5621T>C on transcript NM_000059.4 (MANE Select); coding-DNA position 5621, T replaced by C.
Protein change: p.Ile1874Thr; replaces isoleucine 1874 with threonine.
Molecular consequence: missense variant. On other transcripts: non-coding transcript variant (1), intron variant (2).
Genome position (GRCh38, 1-based): chr13:32,339,976, T>C. VCF-style: chr13-32339976-T-C. GRCh37 (hg19) VCF-style: chr13-32914113-T-C.
Other names: c.5621T>C, p.Ile1874Thr (NM_001406719.1, NM_001406720.1); c.1910-4582T>C (NM_001406721.1); c.425-4582T>C (NM_001406722.1); short protein forms I1874T.
Identifiers: ClinVar variation 2774923 (VCV002774923.2), dbSNP rs2137519221, ClinGen allele CA387786108.

ClinVar aggregate classification (germline): Uncertain significance (1 of 4 stars; one submission).

Conditions:
Hereditary cancer-predisposing syndrome. Also called: Neoplastic Syndromes, Hereditary; Tumor predisposition; Hereditary Cancer Syndrome; Hereditary neoplastic syndrome. Identifiers: Orphanet 140162, MedGen C0027672, MeSH D009386, MONDO:0015356.

Submission:

Color Diagnostics, LLC DBA Color Health
Classification: Uncertain significance for Hereditary cancer-predisposing syndrome. Last evaluated: 2023-12-27. Review status: criteria provided, single submitter. Criteria: ACMG Guidelines, 2015. Collection method: clinical testing. Allele origin: germline.
Comment: This missense variant replaces isoleucine with threonine at codon 1874 of the BRCA2 protein. Computational prediction suggests that this variant may not impact protein structure and function (internally defined REVEL score threshold <= 0.5, PMID: 27666373). To our knowledge, functional studies have not been reported for this variant. This variant has not been reported in individuals affected with BRCA2-related disorders in the literature. This variant has not been identified in the general population by the Genome Aggregation Database (gnomAD). The available evidence is insufficient to determine the role of this variant in disease conclusively. Therefore, this variant is classified as a Variant of Uncertain Significance.